The following is an entry in ClinVar:

ClinVar aggregate classification (germline): Conflicting classifications of pathogenicity. Review status: criteria provided, conflicting classifications (1 of 4 stars). 2 submissions from 2 submitters: Uncertain significance (1); Likely benign (1). Last evaluated 2024-08-20.

Conditions:
Inborn genetic diseases. Identifiers: MedGen C0950123, MeSH D030342.

gnomAD v4.1: 32 of 1,614,034 alleles (0.002%); highest among the groups gnomAD compares: South Asian, 0.026%; no homozygotes.

Submissions (2):

Ambry Genetics
Classification: Likely benign for Inborn genetic diseases. Last evaluated: 2024-08-20. Review status: criteria provided, single submitter. Criteria: Ambry Variant Classification Scheme 2023. Collection method: clinical testing. Allele origin: germline.

Labcorp Genetics (formerly Invitae), Labcorp
Classification: Uncertain significance. Last evaluated: 2024-08-13. Review status: criteria provided, single submitter. Criteria: Invitae Variant Classification Sherloc (09022015). Collection method: clinical testing. Allele origin: germline.
Comment: This sequence change replaces glycine, which is neutral and non-polar, with aspartic acid, which is acidic and polar, at codon 671 of the KMT2A protein (p.Gly671Asp). This variant is present in population databases (rs782578668, gnomAD 0.03%). This variant has not been reported in the literature in individuals affected with KMT2A-related conditions. Advanced modeling of protein sequence and biophysical properties (such as structural, functional, and spatial information, amino acid conservation, physicochemical variation, residue mobility, and thermodynamic stability) has been performed at Invitae for this missense variant, however the output from this modeling did not meet the statistical confidence thresholds required to predict the impact of this variant on KMT2A protein function. In summary, the available evidence is currently insufficient to determine the role of this variant in disease. Therefore, it has been classified as a Variant of Uncertain Significance.

NM_001197104.2(KMT2A):c.2012G>A (p.Gly671Asp)

Gene: KMT2A (lysine methyltransferase 2A; plus strand). Cytogenetic location: 11q23.3.
Variant type: single nucleotide variant.
Coding change: c.2012G>A on transcript NM_001197104.2 (MANE Select); coding-DNA position 2012, G replaced by A.
Protein change: p.Gly671Asp; replaces glycine 671 with aspartic acid.
Molecular consequence: missense variant.
Genome position (GRCh38, 1-based): chr11:118,473,171, G>A. VCF-style: chr11-118473171-G-A. GRCh37 (hg19) VCF-style: chr11-118343886-G-A.
Other names: c.2111G>A, p.Gly704Asp (NM_001412597.1); c.2012G>A, p.Gly671Asp (NM_005933.4); short protein forms G671D, G704D.
Identifiers: ClinVar variation 3535442 (VCV003535442.3).